The following is an entry in ClinVar:

NM_001291303.3(FAT4):c.9881A>G (p.Asn3294Ser)

Gene: FAT4 (FAT atypical cadherin 4; plus strand). Cytogenetic location: 4q28.1.
Variant type: single nucleotide variant.
Coding change: c.9881A>G on transcript NM_001291303.3 (MANE Select); coding-DNA position 9881, A replaced by G.
Protein change: p.Asn3294Ser; replaces asparagine 3294 with serine.
Molecular consequence: missense variant.
Genome position (GRCh38, 1-based): chr4:125,450,891, A>G. VCF-style: chr4-125450891-A-G. GRCh37 (hg19) VCF-style: chr4-126372046-A-G.
Other names: c.9881A>G, p.Asn3294Ser (NM_001291285.3); c.9875A>G, p.Asn3292Ser (NM_024582.6); short protein forms N3292S, N3294S.
Identifiers: ClinVar variation 1310044 (VCV001310044.2), dbSNP rs2126060089, ClinGen allele CA358156434.

ClinVar aggregate classification (germline): Uncertain significance (1 of 4 stars; one submission).

Submission:

GeneDx
Classification: Uncertain significance. Last evaluated: 2019-11-07. Review status: criteria provided, single submitter. Criteria: GeneDx Variant Classification Process June 2021. Collection method: clinical testing. Allele origin: germline. Affected: yes.
Comment: Not observed in large population cohorts (Lek et al., 2016); In silico analysis, which includes protein predictors and evolutionary conservation, supports a deleterious effect; Has not been previously published as pathogenic or benign to our knowledge